The following is an entry in ClinVar:

ClinVar aggregate classification (germline): Benign/Likely benign. Review status: criteria provided, multiple submitters, no conflicts (2 of 4 stars). 5 submissions from 5 submitters: Benign (3); Likely benign (2). Last evaluated 2025-12-06.

Conditions:
Hearing loss, X-linked 6. Also called: Deafness, X-linked 6. Identifiers: Orphanet 90625, MedGen C3806737, MONDO:0010484, OMIM 300914.

Allele frequency attached by ClinVar (database versions not stated): ESP Exome Variant Server 0.00009; gnomAD 0.00016; TOPMed 0.00032; ExAC 0.00104; gnomAD exomes 0.00108.
gnomAD v4.1: 256 of 1,210,435 alleles (0.021%); highest among the groups gnomAD compares: Admixed American, 0.47%; 1 homozygote.

Submissions (6):

Labcorp Genetics (formerly Invitae), Labcorp
Classification: Benign. Last evaluated: 2025-12-06. Review status: criteria provided, single submitter. Criteria: Invitae Variant Classification Sherloc (09022015). Collection method: clinical testing. Allele origin: germline.

Mayo Clinic Laboratories, Mayo Clinic
Classification: Likely benign. Last evaluated: 2025-02-07. Review status: criteria provided, single submitter. Criteria: ACMG Guidelines, 2015. Collection method: clinical testing. Allele origin: germline. Observed: 1 variant allele.
Comment: BS1, BP5, PP3_moderate

Blueprint Genetics
Classification: Likely benign. Last evaluated: 2024-07-26. Review status: criteria provided, single submitter. Criteria: ACMG Guidelines, 2015. Collection method: clinical testing. Allele origin: germline.

Genome-Nilou Lab
Classification: Benign for Hearing loss, X-linked 6. Last evaluated: 2022-03-15. Review status: criteria provided, single submitter. Criteria: ACMG Guidelines, 2015. Collection method: clinical testing. Allele origin: germline. Affected: no.

GeneDx
Classification: Benign. Last evaluated: 2020-06-24. Review status: criteria provided, single submitter. Criteria: GeneDx Variant Classification Process June 2021. Collection method: clinical testing. Allele origin: germline. Affected: yes.

Dr. Peter K. Rogan Lab, Western University
No classification provided (evidence only). Condition: Thyroid cancer, nonmedullary, 1. Review status: no classification provided. Collection method: in vitro. Allele origin: not applicable. Functional consequence: retained intron. Not counted in ClinVar's aggregate classification.

NM_033641.4(COL4A6):c.4609C>T (p.Arg1537Cys)

Gene: COL4A6 (collagen type IV alpha 6 chain; minus strand). Cytogenetic location: Xq22.3.
Variant type: single nucleotide variant.
Coding change: c.4609C>T on transcript NM_033641.4 (MANE Select); coding-DNA position 4609, C replaced by T.
Protein change: p.Arg1537Cys; replaces arginine 1537 with cysteine.
Molecular consequence: missense variant.
Genome position (GRCh38, 1-based): chrX:108,159,665, G>A on the plus strand (C>T on the coding strand, the complement: COL4A6 is on the minus strand). VCF-style: chrX-108159665-G-A. GRCh37 (hg19) VCF-style: chrX-107402895-G-A.
Other names: p.Arg1538Cys; c.4660C>T, p.Arg1554Cys (NM_001287758.2); c.4537C>T, p.Arg1513Cys (NM_001287759.2); c.4438C>T, p.Arg1480Cys (NM_001287760.2); c.4612C>T, p.Arg1538Cys (NM_001847.4); short protein forms R1537C, R1538C, R1480C, R1554C, R1513C.
Identifiers: ClinVar variation 513663 (VCV000513663.15), dbSNP rs376450994, ClinGen allele CA10487146.